The following is an entry in ClinVar:

ClinVar aggregate classification (germline): Uncertain significance. Review status: criteria provided, multiple submitters, no conflicts (2 of 4 stars). 3 submissions from 3 submitters: Uncertain significance (3). Last evaluated 2026-05-14.

Conditions:
PLOD1-related disorder. Also called: PLOD1-related condition.
Familial thoracic aortic aneurysm and aortic dissection (TAAD). Also called: Thoracic aortic aneurysms and dissections. Identifiers: Orphanet 91387, MedGen C4707243, MONDO:0019625.
Ehlers-Danlos syndrome, kyphoscoliotic type 1 (EDSKSCL1). Also called: EHLERS-DANLOS SYNDROME, TYPE VIA; PLOD1-Related Kyphoscoliotic Ehlers-Danlos Syndrome; Ehlers-Danlos syndrome, hydroxylysine-deficient; EHLERS-DANLOS SYNDROME, OCULAR-SCOLIOTIC TYPE. Identifiers: Orphanet 1900, MedGen C0268342, MONDO:0016002, OMIM 225400. Disease mechanism: loss of function.

Submissions (3):

PreventionGenetics, part of Exact Sciences
Classification: Uncertain significance for PLOD1-related condition. Last evaluated: 2026-05-14. Review status: criteria provided, single submitter. Criteria: ACMG Guidelines, 2015. Collection method: clinical testing. Allele origin: germline.
Comment: The PLOD1 c.391C>T variant is predicted to result in the amino acid substitution p.Leu131Phe. To our knowledge, this variant has not been reported in the literature or in a large population database (gnomAD), indicating this variant is rare. At this time, the clinical significance of this variant is uncertain due to the absence of conclusive functional and genetic evidence.

Labcorp Genetics (formerly Invitae), Labcorp
Classification: Uncertain significance for Ehlers-Danlos syndrome, kyphoscoliotic type 1. Last evaluated: 2023-12-14. Review status: criteria provided, single submitter. Criteria: Invitae Variant Classification Sherloc (09022015). Collection method: clinical testing. Allele origin: germline.
Comment: This sequence change replaces leucine, which is neutral and non-polar, with phenylalanine, which is neutral and non-polar, at codon 131 of the PLOD1 protein (p.Leu131Phe). This variant is not present in population databases (gnomAD no frequency). This variant has not been reported in the literature in individuals affected with PLOD1-related conditions. An algorithm developed to predict the effect of missense changes on protein structure and function (PolyPhen-2) suggests that this variant is likely to be tolerated. In summary, the available evidence is currently insufficient to determine the role of this variant in disease. Therefore, it has been classified as a Variant of Uncertain Significance.

Ambry Genetics
Classification: Uncertain significance for Familial thoracic aortic aneurysm and aortic dissection. Last evaluated: 2023-06-22. Review status: criteria provided, single submitter. Criteria: Ambry Variant Classification Scheme 2023. Collection method: clinical testing. Allele origin: germline.
Comment: The p.L131F variant (also known as c.391C>T), located in coding exon 4 of the PLOD1 gene, results from a C to T substitution at nucleotide position 391. The leucine at codon 131 is replaced by phenylalanine, an amino acid with highly similar properties. This amino acid position is conserved. In addition, this alteration is predicted to be tolerated by in silico analysis. Since supporting evidence is limited at this time, the clinical significance of this alteration remains unclear.

NM_000302.4(PLOD1):c.391C>T (p.Leu131Phe)

Gene: PLOD1 (procollagen-lysine,2-oxoglutarate 5-dioxygenase 1; plus strand). Cytogenetic location: 1p36.22.
Variant type: single nucleotide variant.
Coding change: c.391C>T on transcript NM_000302.4 (MANE Select); coding-DNA position 391, C replaced by T.
Protein change: p.Leu131Phe; replaces leucine 131 with phenylalanine.
Molecular consequence: missense variant.
Genome position (GRCh38, 1-based): chr1:11,950,445, C>T. VCF-style: chr1-11950445-C-T. GRCh37 (hg19) VCF-style: chr1-12010502-C-T.
Other names: c.532C>T, p.Leu178Phe (NM_001316320.2); short protein forms L178F, L131F.
Identifiers: ClinVar variation 2626604 (VCV002626604.6), dbSNP rs2522807444, ClinGen allele CA338427247.
Genomic context (GRCh38, chr1:11,950,445, plus strand): 5'-CGGGAGCTCCTGAAGAAGTTCCGGCAGGCCAGGAGCCAGGTGGTCTTCTCTGCTGAGGAG[C>T]TCATCTACCCAGACCGCAGGCTGGAGACCAAGTATCCGGTGGTGTCCGATGGCAAGAGGT-3'
Protein context (NP_000293.2, residues 121-141): RSQVVFSAEE[Leu131Phe]IYPDRRLETK